The following is an entry in ClinVar:

ClinVar aggregate classification (germline): Benign/Likely benign. Review status: criteria provided, multiple submitters, no conflicts (2 of 4 stars). 3 submissions from 3 submitters: Benign (1); Likely benign (2). Last evaluated 2026-01-19.

Conditions:
Hereditary cancer-predisposing syndrome. Also called: Hereditary neoplastic syndrome; Neoplastic Syndromes, Hereditary; Tumor predisposition; Hereditary Cancer Syndrome. Identifiers: Orphanet 140162, MedGen C0027672, MeSH D009386, MONDO:0015356.
Tuberous sclerosis 2 (TSC2). Identifiers: Orphanet 805, MedGen C1860707, MONDO:0013199, OMIM 613254.

Allele frequency attached by ClinVar (database versions not stated): gnomAD exomes below 0.00001; ExAC 0.00001.
gnomAD v4.1: 1 of 1,613,414 alleles (0.000062%); highest among the groups gnomAD compares: Non-Finnish European, 0.000085%; no homozygotes.

Submissions (3):

Labcorp Genetics (formerly Invitae), Labcorp
Classification: Likely benign for Tuberous sclerosis 2. Last evaluated: 2026-01-19. Review status: criteria provided, single submitter. Criteria: Invitae Variant Classification Sherloc (09022015). Collection method: clinical testing. Allele origin: germline.

Myriad Genetics, Inc.
Classification: Benign for Tuberous sclerosis 2. Last evaluated: 2025-05-21. Review status: criteria provided, single submitter. Criteria: Myriad Autosomal Dominant, Autosomal Recessive and X-Linked Classification Criteria (2023). Collection method: clinical testing. Allele origin: unknown.
Comment: This variant is considered benign. This variant is a silent/synonymous amino acid change and it is not expected to impact splicing.

Ambry Genetics
Classification: Likely benign for Hereditary cancer-predisposing syndrome. Last evaluated: 2021-05-26. Review status: criteria provided, single submitter. Criteria: Ambry Variant Classification Scheme 2023. Collection method: clinical testing. Allele origin: germline.

NM_000548.5(TSC2):c.2739T>C (p.Thr913=)

Gene: TSC2 (TSC complex subunit 2; plus strand). Cytogenetic location: 16p13.3.
Variant type: single nucleotide variant.
Coding change: c.2739T>C on transcript NM_000548.5 (MANE Select); coding-DNA position 2739, T replaced by C.
Protein change: p.Thr913=; no amino-acid change (threonine 913 retained).
Molecular consequence: synonymous variant.
Genome position (GRCh38, 1-based): chr16:2,076,167, T>C. VCF-style: chr16-2076167-T-C. GRCh37 (hg19) VCF-style: chr16-2126168-T-C.
Other names: c.2739T>C, p.Thr913= (NM_001077183.3, NM_001114382.3, NM_001363528.2 and 3 more transcripts); c.2628T>C, p.Thr876= (NM_001318827.2); c.2592T>C, p.Thr864= (NM_001318829.2); c.2139T>C, p.Thr713= (NM_001318831.2); c.2772T>C, p.Thr924= (NM_001318832.2).
Identifiers: ClinVar variation 467961 (VCV000467961.14), dbSNP rs773285889, ClinGen allele CA041085.